The following is an entry in ClinVar:

NM_003002.4(SDHD):c.211G>A (p.Val71Ile)

Gene: SDHD (succinate dehydrogenase complex subunit D; plus strand). Cytogenetic location: 11q23.1.
Variant type: single nucleotide variant.
Coding change: c.211G>A on transcript NM_003002.4 (MANE Select); coding-DNA position 211, G replaced by A.
Protein change: p.Val71Ile; replaces valine 71 with isoleucine.
Molecular consequence: missense variant. On other transcripts: non-coding transcript variant (1), intron variant (1).
Genome position (GRCh38, 1-based): chr11:112,088,908, G>A. VCF-style: chr11-112088908-G-A. GRCh37 (hg19) VCF-style: chr11-111959632-G-A.
Other names: c.211G>A (NM_003002.2); c.94G>A, p.Val32Ile (NM_001276504.2); c.211G>A, p.Val71Ile (NM_001276506.2); c.169+935G>A (NM_001276503.2); short protein forms V71I, V32I.
Identifiers: ClinVar variation 568517 (VCV000568517.13), dbSNP rs1428042303, ClinGen allele CA382617240.

ClinVar aggregate classification (germline): Uncertain significance. Review status: criteria provided, multiple submitters, no conflicts (2 of 4 stars). 2 submissions from 2 submitters: Uncertain significance (2). Last evaluated 2025-11-29.

Conditions:
Hereditary cancer-predisposing syndrome. Also called: Neoplastic Syndromes, Hereditary; Tumor predisposition; Hereditary neoplastic syndrome; Hereditary Cancer Syndrome. Identifiers: Orphanet 140162, MedGen C0027672, MeSH D009386, MONDO:0015356.
Cowden syndrome 3 (CWS3). Identifiers: Orphanet 201, MedGen CN166604, MONDO:0014045.
Carney-Stratakis syndrome. Also called: PARAGANGLIOMA AND GASTROINTESTINAL STROMAL TUMOR. Identifiers: Orphanet 97286, MedGen C1847319, MONDO:0011740, OMIM 606864.
Pheochromocytoma. Also called: MAX-Related Hereditary Paraganglioma-Pheochromocytoma Syndrome. Identifiers: Orphanet 29072, MedGen C0031511, MONDO:0008233, OMIM 171300, HP:0002666.
Paragangliomas with sensorineural hearing loss. Identifiers: MedGen C1868633.

Allele frequency attached by ClinVar (database versions not stated): gnomAD exomes below 0.00001; gnomAD 0.00001; TOPMed 0.00001.
gnomAD v4.1: 2 of 1,612,800 alleles (0.00012%); highest among the groups gnomAD compares: Non-Finnish European, 0.00017%; no homozygotes.

Submissions (2):

Ambry Genetics
Classification: Uncertain significance for Hereditary cancer-predisposing syndrome. Last evaluated: 2025-11-29. Review status: criteria provided, single submitter. Criteria: Ambry Variant Classification Scheme 2023. Collection method: clinical testing. Allele origin: germline.
Comment: The p.V71I variant (also known as c.211G>A), located in coding exon 3 of the SDHD gene, results from a G to A substitution at nucleotide position 211. The valine at codon 71 is replaced by isoleucine, an amino acid with highly similar properties. This amino acid position is conserved. In addition, the in silico prediction for this alteration is inconclusive. Based on the available evidence, the clinical significance of this variant remains unclear.

Labcorp Genetics (formerly Invitae), Labcorp
Classification: Uncertain significance for Carney-Stratakis syndrome; Paragangliomas with sensorineural hearing loss; Pheochromocytoma; Cowden syndrome 3. Last evaluated: 2025-08-24. Review status: criteria provided, single submitter. Criteria: Invitae Variant Classification Sherloc (09022015). Collection method: clinical testing. Allele origin: germline.
Comment: This sequence change replaces valine, which is neutral and non-polar, with isoleucine, which is neutral and non-polar, at codon 71 of the SDHD protein (p.Val71Ile). This variant is not present in population databases (gnomAD no frequency). This variant has not been reported in the literature in individuals affected with SDHD-related conditions. ClinVar contains an entry for this variant (Variation ID: 568517). Invitae Evidence Modeling of protein sequence and biophysical properties (such as structural, functional, and spatial information, amino acid conservation, physicochemical variation, residue mobility, and thermodynamic stability) indicates that this missense variant is not expected to disrupt SDHD protein function with a negative predictive value of 95%. In summary, the available evidence is currently insufficient to determine the role of this variant in disease. Therefore, it has been classified as a Variant of Uncertain Significance.